The following is an entry in ClinVar:

NM_005632.3(CAPN15):c.2847G>A (p.Pro949=)

Gene: CAPN15 (calpain 15; plus strand). Cytogenetic location: 16p13.3.
Variant type: single nucleotide variant.
Coding change: c.2847G>A on transcript NM_005632.3 (MANE Select); coding-DNA position 2847, G replaced by A.
Protein change: p.Pro949=; no amino-acid change (proline 949 retained).
Molecular consequence: synonymous variant.
Genome position (GRCh38, 1-based): chr16:552,714, G>A. VCF-style: chr16-552714-G-A. GRCh37 (hg19) VCF-style: chr16-602714-G-A.
Identifiers: ClinVar variation 2645821 (VCV002645821.24), dbSNP rs768639968, ClinGen allele CA7778950.

ClinVar aggregate classification (germline): Likely benign (1 of 4 stars; one submission).

Allele frequency attached by ClinVar (database versions not stated): gnomAD exomes 0.00015; TOPMed 0.00015; gnomAD 0.00021; ExAC 0.00031.
gnomAD v4.1: 241 of 1,544,346 alleles (0.016%); highest among the groups gnomAD compares: Admixed American, 0.053%; no homozygotes.

Submission:

CeGaT Center for Human Genetics Tuebingen
Classification: Likely benign. Last evaluated: 2022-08-01. Review status: criteria provided, single submitter. Criteria: CeGaT Center For Human Genetics Tuebingen Variant Classification Criteria Version 2. Collection method: clinical testing. Allele origin: germline. Affected: yes. Observed: 1 variant allele.
Comment: CAPN15: BP4, BP7